The following is an entry in ClinVar:

ClinVar aggregate classification (germline): Pathogenic. Review status: criteria provided, single submitter (1 of 4 stars). 2 submissions from 2 submitters: Pathogenic (1). 1 of the submissions does not count toward it. Last evaluated 2025-04-23.

Conditions:
TBX4-related disorder. Also called: TBX4-related disorders; TBX4-related condition.
Pulmonary hypertension, primary, 1 (PPH1). Also called: Pulmonary hypertension, familial primary, 1, with or without HHT. Identifiers: Orphanet 422, MedGen C4552070, MONDO:0024533, OMIM 178600.

Submissions (2):

PreventionGenetics, part of Exact Sciences
Classification: Pathogenic for TBX4-related condition. Last evaluated: 2025-04-23. Review status: criteria provided, single submitter. Criteria: ACMG Guidelines, 2015. Collection method: clinical testing. Allele origin: germline.
Comment: The TBX4 c.143dupC variant is predicted to result in a frameshift and premature protein termination (p.Pro50Thrfs*24). This variant was reported in an individual with pulmonary arterial hypertension (PAH) (Supplementary Table 1, Eyries et al. 2018. PubMed ID: 30578383). This variant has not been reported in a large population database (gnomAD), indicating this variant is rare. Frameshift variants in TBX4 are expected to be pathogenic. This variant is interpreted as pathogenic.

Wendy Chung Laboratory, Boston Children's Hospital
No classification provided. Condition: Pulmonary hypertension, primary, 1. Review status: no classification provided. Collection method: literature only. Allele origin: unknown. Affected: yes. Not counted in ClinVar's aggregate classification.

Literature cited by the submitters: PubMed 30578383 (cited by Wendy Chung Laboratory, Boston Children's Hospital).

NM_001321120.2(TBX4):c.143dup (p.Pro50fs)

Gene: TBX4 (T-box transcription factor 4; plus strand). Cytogenetic location: 17q23.2.
Variant type: Duplication.
Coding change: c.143dup on transcript NM_001321120.2 (MANE Select); coding-DNA position 143, one base duplicated (C; older notation c.143dupC).
Protein change: p.Pro50fs; shifts the reading frame from proline 50.
Molecular consequence: frameshift variant.
Genome position (GRCh38, 1-based): chr17:61,456,633, C duplicated; the last of 6 consecutive C bases (chr17:61,456,628-61,456,633); duplicating any one gives the same sequence. VCF-style (leftmost placement, unchanged base first): chr17-61456627-G-GC. GRCh37 (hg19) VCF-style: chr17-59533988-G-GC.
Other names: c.143dup, p.Pro50fs (NM_018488.3); c.143dupC (NM_018488.3); short protein forms P50fs.
Identifiers: ClinVar variation 1341457 (VCV001341457.3), dbSNP rs1414958198, ClinGen allele CA2573054517.